The following is an entry in ClinVar:

NM_173477.5(USH1G):c.-1C>T

Gene: USH1G (USH1 protein network component sans; minus strand). Cytogenetic location: 17q25.1.
Variant type: single nucleotide variant.
Coding change: c.-1C>T on transcript NM_173477.5 (MANE Select); 1 bases upstream of the start codon, C replaced by T.
Molecular consequence: 5 prime UTR variant.
Genome position (GRCh38, 1-based): chr17:74,923,074, G>A on the plus strand (C>T on the coding strand, the complement: USH1G is on the minus strand). VCF-style: chr17-74923074-G-A. GRCh37 (hg19) VCF-style: chr17-72919169-G-A.
Other names: c.-257C>T (NM_001282489.3).
Identifiers: ClinVar variation 178969 (VCV000178969.5), dbSNP rs727504576, ClinGen allele CA183407.

ClinVar aggregate classification (germline): Uncertain significance (1 of 4 stars; one submission).

Allele frequency attached by ClinVar (database versions not stated): gnomAD 0.00002 and 0.00003; TOPMed 0.00004.
gnomAD v4.1: 6 of 1,580,642 alleles (0.00038%); highest among the groups gnomAD compares: Admixed American, 0.007%; no homozygotes.

Submission:

Laboratory for Molecular Medicine, Mass General Brigham Personalized Medicine
Classification: Uncertain significance. Last evaluated: 2013-06-02. Review status: criteria provided, single submitter. Criteria: LMM Criteria. Collection method: clinical testing. Allele origin: germline. Observed: 1 variant allele.
Comment: The -1C>T variant in USH1G has not been reported in individuals with hearing los s. The frequency of this variant in large European American and African American populations cannot be determined from the NHLBI Exome Sequencing Project because coverage at this position was insufficient . This variant is located in the 5'UTR at the -1 nucleotide position and is cons erved across species; though this information is insufficient to assume pathogen icity. Although we cannot rule out a deleterious impact on the regulation of spl icing or translation of USH1G, to date no disease-causing variants have been fou nd in this region of the transcript. In summary, additional information is neede d to determine the clinical significance of this variant.